The following is an entry in ClinVar:

ClinVar aggregate classification (germline): Uncertain significance (1 of 4 stars; one submission).

Submission:

Labcorp Genetics (formerly Invitae), Labcorp
Classification: Uncertain significance. Last evaluated: 2025-11-13. Review status: criteria provided, single submitter. Criteria: Invitae Variant Classification Sherloc (09022015). Collection method: clinical testing. Allele origin: germline.
Comment: This sequence change replaces glycine, which is neutral and non-polar, with arginine, which is basic and polar, at codon 269 of the KIDINS220 protein (p.Gly269Arg). This variant is not present in population databases (gnomAD no frequency). This variant has not been reported in the literature in individuals affected with KIDINS220-related conditions. An algorithm developed to predict the effect of missense changes on protein structure and function (PolyPhen-2) suggests that this variant is likely to be disruptive. In summary, the available evidence is currently insufficient to determine the role of this variant in disease. Therefore, it has been classified as a Variant of Uncertain Significance.

NM_020738.4(KIDINS220):c.805G>A (p.Gly269Arg)

Gene: KIDINS220 (kinase D interacting substrate 220; minus strand). Cytogenetic location: 2p25.1.
Variant type: single nucleotide variant.
Coding change: c.805G>A on transcript NM_020738.4 (MANE Select); coding-DNA position 805, G replaced by A.
Protein change: p.Gly269Arg; replaces glycine 269 with arginine.
Molecular consequence: missense variant. On other transcripts: non-coding transcript variant (2).
Genome position (GRCh38, 1-based): chr2:8,800,495, C>T on the plus strand (G>A on the coding strand, the complement: KIDINS220 is on the minus strand). VCF-style: chr2-8800495-C-T. GRCh37 (hg19) VCF-style: chr2-8940625-C-T.
Other names: c.808G>A, p.Gly270Arg (NM_001348729.2, NM_001348731.2, NM_001348734.2 and 3 more transcripts); c.805G>A, p.Gly269Arg (NM_001348732.2, NM_001348735.2, NM_001348738.2 and 3 more transcripts); c.679G>A, p.Gly227Arg (NM_001348736.2); short protein forms G227R, G270R, G269R.
Identifiers: ClinVar variation 4731169 (VCV004731169.1).